The following is an entry in ClinVar:

NM_032608.7(MYO18B):c.1157G>A (p.Gly386Asp)

Gene: MYO18B (myosin XVIIIB; plus strand). Cytogenetic location: 22q12.1.
Variant type: single nucleotide variant.
Coding change: c.1157G>A on transcript NM_032608.7 (MANE Select); coding-DNA position 1157, G replaced by A.
Protein change: p.Gly386Asp; replaces glycine 386 with aspartic acid.
Molecular consequence: missense variant.
Genome position (GRCh38, 1-based): chr22:25,769,073, G>A. VCF-style: chr22-25769073-G-A. GRCh37 (hg19) VCF-style: chr22-26165040-G-A.
Other names: c.1157G>A, p.Gly386Asp (NM_001318245.2); short protein forms G386D.
Identifiers: ClinVar variation 1310970 (VCV001310970.5), dbSNP rs200463817, ClinGen allele CA10159770.

ClinVar aggregate classification (germline): Uncertain significance. Review status: criteria provided, multiple submitters, no conflicts (2 of 4 stars). 2 submissions from 2 submitters: Uncertain significance (2). Last evaluated 2023-12-07.

Allele frequency attached by ClinVar (database versions not stated): ExAC 0.00004; gnomAD 0.00005; TOPMed 0.00009; ESP Exome Variant Server 0.00016.
gnomAD v4.1: 444 of 1,612,970 alleles (0.028%); highest among the groups gnomAD compares: Non-Finnish European, 0.037%; no homozygotes.

Submissions (2):

Labcorp Genetics (formerly Invitae), Labcorp
Classification: Uncertain significance. Last evaluated: 2023-12-07. Review status: criteria provided, single submitter. Criteria: Invitae Variant Classification Sherloc (09022015). Collection method: clinical testing. Allele origin: germline.
Comment: This sequence change replaces glycine, which is neutral and non-polar, with aspartic acid, which is acidic and polar, at codon 386 of the MYO18B protein (p.Gly386Asp). This variant is present in population databases (rs200463817, gnomAD 0.01%). This variant has not been reported in the literature in individuals affected with MYO18B-related conditions. ClinVar contains an entry for this variant (Variation ID: 1310970). An algorithm developed to predict the effect of missense changes on protein structure and function (PolyPhen-2) suggests that this variant¬†is likely to be tolerated. In summary, the available evidence is currently insufficient to determine the role of this variant in disease. Therefore, it has been classified as a Variant of Uncertain Significance.

GeneDx
Classification: Uncertain significance. Last evaluated: 2021-03-19. Review status: criteria provided, single submitter. Criteria: GeneDx Variant Classification Process June 2021. Collection method: clinical testing. Allele origin: germline. Affected: yes.
Comment: Has not been previously published as pathogenic or benign to our knowledge; In silico analysis, which includes protein predictors and evolutionary conservation, supports that this variant does not alter protein structure/function